The following is an entry in ClinVar:

NM_000297.4(PKD2):c.595G>C (p.Gly199Arg)

Gene: PKD2 (polycystin 2, transient receptor potential cation channel; plus strand). Cytogenetic location: 4q22.1.
Variant type: single nucleotide variant.
Coding change: c.595G>C on transcript NM_000297.4 (MANE Select); coding-DNA position 595, G replaced by C.
Protein change: p.Gly199Arg; replaces glycine 199 with arginine.
Molecular consequence: missense variant. On other transcripts: non-coding transcript variant (1).
Genome position (GRCh38, 1-based): chr4:88,008,328, G>C. VCF-style: chr4-88008328-G-C. GRCh37 (hg19) VCF-style: chr4-88929480-G-C.
Other names: short protein forms G199R.
Identifiers: ClinVar variation 3235202 (VCV003235202.2), dbSNP rs1726264964.

ClinVar aggregate classification (germline): Uncertain significance. Review status: criteria provided, multiple submitters, no conflicts (2 of 4 stars). 2 submissions from 2 submitters: Uncertain significance (2). Last evaluated 2023-10-20.

Conditions:
Polycystic kidney disease 2 (PKD2). Also called: Polycystic Kidney Disease 2, Autosomal Dominant; POLYCYSTIC KIDNEY DISEASE 2 WITH OR WITHOUT POLYCYSTIC LIVER DISEASE; POLYCYSTIC KIDNEY DISEASE, ADULT, TYPE II. Identifiers: MedGen C2751306, MONDO:0013131, OMIM 613095.

Submissions (2):

3billion
Classification: Uncertain significance for Polycystic kidney disease 2. Last evaluated: 2023-10-20. Review status: criteria provided, single submitter. Criteria: ACMG Guidelines, 2015. Collection method: clinical testing. Allele origin: germline. Affected: yes.
Comment: The variant is not observed in the gnomAD v2.1.1 dataset. Predicted Consequence/Location: The majority of the known disease-causing variants of this gene are variants expected to result in premature termination of the protein. Premature termination of the protein is a common disease-causing mechanism for this gene. In silico tools predict the variant to alter splicing and produce an abnormal transcript [SpliceAI: 0.86 (>=0.2, moderate evidence for spliceogenicity)]. A different missense change at the same codon (p.Gly199Ser) has been reported to be associated with PKD2 related disorder (PMID: 29801666). However the evidence of pathogenicity is insufficient at this time. Therefore, this variant is classified as VUS according to the recommendation of ACMG/AMP guideline.

MVZ Medizinische Genetik Mainz
Classification: Uncertain significance for Polycystic kidney disease 2. Last evaluated: 2023-04-13. Review status: criteria provided, single submitter. Criteria: UK Practice Guidelines For Variant Classification V4 01 2020. Collection method: clinical testing. Allele origin: germline. Inheritance: Autosomal dominant inheritance. Affected: yes. Observed: 1 variant allele.
Comment: ACMG Criteria: PM2_SUP,PM5_SUP,PP3,PP4

Literature cited by the submitters: PubMed 29801666 (cited by 3billion).